The following is an entry in ClinVar:

NC_000002.11:g.(?_152524298)_(152525665_?)del

Gene: NEB (nebulin; minus strand). Cytogenetic location: 2q23.3.
Variant type: Deletion.
Identifiers: ClinVar variation 1069477 (VCV001069477.3).

ClinVar aggregate classification (germline): Pathogenic (1 of 4 stars; one submission).

Conditions:
Nemaline myopathy 2 (NEM2). Also called: Nemaline myopathy 2, autosomal recessive. Identifiers: MedGen C1850569, MONDO:0009725, OMIM 256030.

Submission:

Labcorp Genetics (formerly Invitae), Labcorp
Classification: Pathogenic for Nemaline myopathy 2. Last evaluated: 2016-08-24. Review status: criteria provided, single submitter. Criteria: Invitae Variant Classification Sherloc (09022015). Collection method: clinical testing. Allele origin: germline.
Comment: For these reasons, this variant has been classified as Pathogenic. This variant is a gross deletion of the genomic region encompassing the terminal 23 amino acids of exon 39 through the entirety of exon 133, terminating at a breakpoint in the intron between exons 133 and 134 (g.151547022_151669095del) of the NEB gene. While it is not certain this results in a premature stop codon, this sub-genic deletion results in the truncation over half of the amino acids of the NEB protein. While this particular variant has not been reported in the literature, truncating variants in NEB are known to be pathogenic (PMID: 25205138).

Literature cited by the submitters: PubMed 25205138.